The following is an entry in ClinVar:

ClinVar aggregate classification (germline): Uncertain significance (1 of 4 stars; one submission).

Allele frequency attached by ClinVar (database versions not stated): gnomAD 0.00001.

Submission:

Labcorp Genetics (formerly Invitae), Labcorp
Classification: Uncertain significance. Last evaluated: 2025-10-25. Review status: criteria provided, single submitter. Criteria: Invitae Variant Classification Sherloc (09022015). Collection method: clinical testing. Allele origin: germline.
Comment: This sequence change replaces proline, which is neutral and non-polar, with serine, which is neutral and polar, at codon 83 of the NOG protein (p.Pro83Ser). This variant is present in population databases (no rsID available, gnomAD 0.009%). This variant has not been reported in the literature in individuals affected with NOG-related conditions. ClinVar contains an entry for this variant (Variation ID: 2892213). An algorithm developed to predict the effect of missense changes on protein structure and function (PolyPhen-2) suggests that this variant is likely to be disruptive. In summary, the available evidence is currently insufficient to determine the role of this variant in disease. Therefore, it has been classified as a Variant of Uncertain Significance.

NM_005450.6(NOG):c.247C>T (p.Pro83Ser)

Gene: NOG (noggin; plus strand). Cytogenetic location: 17q22.
Variant type: single nucleotide variant.
Coding change: c.247C>T on transcript NM_005450.6 (MANE Select); coding-DNA position 247, C replaced by T.
Protein change: p.Pro83Ser; replaces proline 83 with serine.
Molecular consequence: missense variant.
Genome position (GRCh38, 1-based): chr17:56,594,470, C>T. VCF-style: chr17-56594470-C-T. GRCh37 (hg19) VCF-style: chr17-54671831-C-T.
Other names: short protein forms P83S.
Identifiers: ClinVar variation 2892213 (VCV002892213.3), dbSNP rs772966707, ClinGen allele CA399965204.